The following is an entry in ClinVar:

NM_004260.4(RECQL4):c.335A>T (p.Asn112Ile)

Gene: RECQL4 (RecQ like helicase 4; minus strand). Cytogenetic location: 8q24.3.
Variant type: single nucleotide variant.
Coding change: c.335A>T on transcript NM_004260.4 (MANE Select); coding-DNA position 335, A replaced by T.
Protein change: p.Asn112Ile; replaces asparagine 112 with isoleucine.
Molecular consequence: missense variant.
Genome position (GRCh38, 1-based): chr8:144,517,069, T>A on the plus strand (A>T on the coding strand, the complement: RECQL4 is on the minus strand). VCF-style: chr8-144517069-T-A. GRCh37 (hg19) VCF-style: chr8-145742453-T-A.
Other names: short protein forms N112I.
Identifiers: ClinVar variation 651070 (VCV000651070.4), dbSNP rs372651895, ClinGen allele CA372691941.

ClinVar aggregate classification (germline): Uncertain significance (1 of 4 stars; one submission).

Conditions:
Baller-Gerold syndrome (BGS). Also called: CRANIOSYNOSTOSIS WITH RADIAL DEFECTS. Identifiers: Orphanet 1225, MedGen C0265308, MONDO:0009039, OMIM 218600.

Submission:

Labcorp Genetics (formerly Invitae), Labcorp
Classification: Uncertain significance for Baller-Gerold syndrome. Last evaluated: 2024-05-29. Review status: criteria provided, single submitter. Criteria: Invitae Variant Classification Sherloc (09022015). Collection method: clinical testing. Allele origin: germline.
Comment: This sequence change replaces asparagine, which is neutral and polar, with isoleucine, which is neutral and non-polar, at codon 112 of the RECQL4 protein (p.Asn112Ile). This variant is not present in population databases (gnomAD no frequency). This variant has not been reported in the literature in individuals affected with RECQL4-related conditions. ClinVar contains an entry for this variant (Variation ID: 651070). Advanced modeling of protein sequence and biophysical properties (such as structural, functional, and spatial information, amino acid conservation, physicochemical variation, residue mobility, and thermodynamic stability) performed at Invitae indicates that this missense variant is expected to disrupt RECQL4 protein function with a positive predictive value of 80%. In summary, the available evidence is currently insufficient to determine the role of this variant in disease. Therefore, it has been classified as a Variant of Uncertain Significance.